The following is an entry in ClinVar:

ClinVar aggregate classification (germline): Uncertain significance (1 of 4 stars; one submission).

Conditions:
Biotin-responsive basal ganglia disease (BTBGD). Also called: Thiamine metabolism dysfunction syndrome 2 (biotin- or thiamine-responsive encephalopathy type 2); thiamine-responsive encephalopathy; Thiamine metabolism dysfunction syndrome type 2; Thiamine Transporter-2 Deficiency; THIAMINE METABOLISM DYSFUNCTION SYNDROME 2 (BIOTIN- AND THIAMINE-RESPONSIVE TYPE). Identifiers: Orphanet 199348, Orphanet 65284, MedGen C1843807, MONDO:0011841, OMIM 607483.

Allele frequency attached by ClinVar (database versions not stated): gnomAD exomes below 0.00001 and 0.00002; ExAC 0.00002; gnomAD 0.00005 and 0.00006; TOPMed 0.00005.

Submission:

Labcorp Genetics (formerly Invitae), Labcorp
Classification: Uncertain significance for Biotin-responsive basal ganglia disease. Last evaluated: 2025-01-06. Review status: criteria provided, single submitter. Criteria: Invitae Variant Classification Sherloc (09022015). Collection method: clinical testing. Allele origin: germline.
Comment: This sequence change replaces valine, which is neutral and non-polar, with isoleucine, which is neutral and non-polar, at codon 261 of the SLC19A3 protein (p.Val261Ile). This variant is present in population databases (rs779016400, gnomAD 0.03%). This variant has not been reported in the literature in individuals affected with SLC19A3-related conditions. ClinVar contains an entry for this variant (Variation ID: 533548). Invitae Evidence Modeling of protein sequence and biophysical properties (such as structural, functional, and spatial information, amino acid conservation, physicochemical variation, residue mobility, and thermodynamic stability) indicates that this missense variant is not expected to disrupt SLC19A3 protein function with a negative predictive value of 95%. In summary, the available evidence is currently insufficient to determine the role of this variant in disease. Therefore, it has been classified as a Variant of Uncertain Significance.

NM_025243.4(SLC19A3):c.781G>A (p.Val261Ile)

Gene: SLC19A3 (solute carrier family 19 member 3; minus strand). Cytogenetic location: 2q36.3.
Variant type: single nucleotide variant.
Coding change: c.781G>A on transcript NM_025243.4 (MANE Select); coding-DNA position 781, G replaced by A.
Protein change: p.Val261Ile; replaces valine 261 with isoleucine.
Molecular consequence: missense variant.
Genome position (GRCh38, 1-based): chr2:227,698,934, C>T on the plus strand (G>A on the coding strand, the complement: SLC19A3 is on the minus strand). VCF-style: chr2-227698934-C-T. GRCh37 (hg19) VCF-style: chr2-228563650-C-T.
Other names: short protein forms V261I.
Identifiers: ClinVar variation 533548 (VCV000533548.11), dbSNP rs779016400, ClinGen allele CA2149232.